The following is an entry in ClinVar:

NM_001367916.1(MAGT1):c.485C>T (p.Ser162Leu)

Gene: MAGT1 (magnesium transporter 1; minus strand). Cytogenetic location: Xq21.1.
Variant type: single nucleotide variant.
Coding change: c.485C>T on transcript NM_001367916.1 (MANE Select); coding-DNA position 485, C replaced by T.
Protein change: p.Ser162Leu; replaces serine 162 with leucine.
Molecular consequence: missense variant.
Genome position (GRCh38, 1-based): chrX:77,857,403, G>A on the plus strand (C>T on the coding strand, the complement: MAGT1 is on the minus strand). VCF-style: chrX-77857403-G-A. GRCh37 (hg19) VCF-style: chrX-77112900-G-A.
Other names: c.581C>T, p.Ser194Leu (NM_032121.5); short protein forms S162L, S194L.
Identifiers: ClinVar variation 5020158 (VCV005020158.1).

ClinVar aggregate classification (germline): Uncertain significance (1 of 4 stars; one submission).

Submission:

Dasa
Classification: Uncertain significance. Last evaluated: 2026-07-22. Review status: criteria provided, single submitter. Criteria: DASA Assertion Criteria. Collection method: clinical testing. Allele origin: germline.
Comment: NM_001367916.1(MAGT1):c.485C>T (p.Ser162Leu) is a missense variant that results in the substitution of serine with leucine. This variant is rare in population databases. The currently available literature and clinical evidence are not sufficient to establish a definitive association between this variant and the reported condition. Therefore, this variant is classified as a variant of uncertain significance.